The following is an entry in ClinVar:

ClinVar aggregate classification (germline): Conflicting classifications of pathogenicity. Review status: criteria provided, conflicting classifications (1 of 4 stars). 3 submissions from 3 submitters: Uncertain significance (1); Likely benign (1). 1 of the submissions does not count toward it. Last evaluated 2025-11-01.

Conditions:
Autosomal dominant Robinow syndrome 1. Also called: ROBINOW DWARFISM; FETAL FACE SYNDROME; ACRAL DYSOSTOSIS WITH FACIAL AND GENITAL ABNORMALITIES; Covesdem syndrome (formerly); Costovertebral segmentation defect with mesomelia (formerly); WNT5A-Related Robinow Syndrome, Autosomal Dominant. Identifiers: Orphanet 3107, Orphanet 97360, MedGen C4551475, MONDO:0024455, OMIM 180700.
WNT5A-related disorder. Also called: WNT5A-related condition.

Allele frequency attached by ClinVar (database versions not stated): TOPMed 0.00003; 1000 Genomes Project 0.00020; 1000 Genomes Project 30x 0.00031.
gnomAD v4.1: 49 of 1,570,194 alleles (0.0031%); highest among the groups gnomAD compares: Admixed American, 0.025%; no homozygotes.

Submissions (3):

Labcorp Genetics (formerly Invitae), Labcorp
Classification: Likely benign. Last evaluated: 2025-11-01. Review status: criteria provided, single submitter. Criteria: Invitae Variant Classification Sherloc (09022015). Collection method: clinical testing. Allele origin: germline.

Genetic Services Laboratory, University of Chicago
Classification: Uncertain significance for Robinow syndrome, autosomal dominant. Last evaluated: 2013-02-08. Review status: criteria provided, single submitter. Criteria: ACMG Guidelines, 2007. Collection method: clinical testing. Allele origin: germline. Inheritance: Autosomal dominant inheritance.

PreventionGenetics, part of Exact Sciences
Classification: Likely benign for WNT5A-related condition. Last evaluated: 2020-02-24. Review status: no assertion criteria provided. Collection method: clinical testing. Allele origin: germline. Not counted in ClinVar's aggregate classification.
Comment: This variant is classified as likely benign based on ACMG/AMP sequence variant interpretation guidelines (Richards et al. 2015 PMID: 25741868, with internal and published modifications).

NM_003392.7(WNT5A):c.141-9C>G

Gene: WNT5A (Wnt family member 5A; minus strand). Cytogenetic location: 3p14.3.
Variant type: single nucleotide variant.
Coding change: c.141-9C>G on transcript NM_003392.7 (MANE Select); 9 bases into the intron before coding-DNA position 141, C replaced by G.
Molecular consequence: intron variant.
Genome position (GRCh38, 1-based): chr3:55,479,573, G>C on the plus strand (C>G on the coding strand, the complement: WNT5A is on the minus strand). VCF-style: chr3-55479573-G-C. GRCh37 (hg19) VCF-style: chr3-55513601-G-C.
Other names: c.96-9C>G (NM_001377271.1, NM_001377272.1, NM_001256105.1).
Identifiers: ClinVar variation 160312 (VCV000160312.17), dbSNP rs181894008, ClinGen allele CA272815.